The following is an entry in ClinVar:

NM_001110556.2(FLNA):c.6601del (p.Arg2201fs)

Gene: FLNA (filamin A; minus strand). Cytogenetic location: Xq28.
Variant type: Deletion.
Coding change: c.6601del on transcript NM_001110556.2 (MANE Select); coding-DNA position 6601, one base deleted (C; older notation c.6601delC).
Protein change: p.Arg2201fs; shifts the reading frame from arginine 2201.
Molecular consequence: frameshift variant.
Genome position (GRCh38, 1-based): chrX:154,352,349, G deleted on the plus strand (C on the coding strand, the reverse complement: FLNA is on the minus strand); the first of 2 consecutive G bases (chrX:154,352,349-154,352,350); deleting either gives the same sequence. VCF-style (leftmost placement, unchanged base first): chrX-154352348-CG-C. GRCh37 (hg19) VCF-style: chrX-153580716-CG-C.
Other names: c.6577delC (NM_001456.3); c.6577del, p.Arg2193fs (NM_001456.4); c.6577del (NM_001456.3); short protein forms R2201fs, R2193fs.
Identifiers: ClinVar variation 213523 (VCV000213523.3), dbSNP rs863223646, ClinGen allele CA323640.

ClinVar aggregate classification (germline): Pathogenic (1 of 4 stars; one submission).

Submission:

GeneDx
Classification: Pathogenic. Last evaluated: 2025-11-11. Review status: criteria provided, single submitter. Criteria: GeneDx Variant Classification Process June 2021. Collection method: clinical testing. Allele origin: germline. Affected: yes.
Comment: Frameshift variant predicted to result in protein truncation or nonsense mediated decay in a gene for which loss of function is a known mechanism of disease; Identified in patients with clinical features of FLNA-related periventricular nodular heterotopia spectrum disorder referred for genetic testing at GeneDx and/or in published literature (PMID: 28177866); Not observed at significant frequency in large population cohorts (gnomAD); This variant is associated with the following publications: (PMID: 28177866)